The following is an entry in ClinVar:

NM_001031689.3(PLAA):c.2088G>C (p.Lys696Asn)

Gene: PLAA (phospholipase A2 activating protein; minus strand). Cytogenetic location: 9p21.2.
Variant type: single nucleotide variant.
Coding change: c.2088G>C on transcript NM_001031689.3 (MANE Select); coding-DNA position 2088, G replaced by C.
Protein change: p.Lys696Asn; replaces lysine 696 with asparagine.
Molecular consequence: missense variant.
Genome position (GRCh38, 1-based): chr9:26,905,811, C>G on the plus strand (G>C on the coding strand, the complement: PLAA is on the minus strand). VCF-style: chr9-26905811-C-G. GRCh37 (hg19) VCF-style: chr9-26905809-C-G.
Other names: c.2019G>C, p.Lys673Asn (NM_001321546.2); c.2088G>C (NM_001031689.2); short protein forms K673N, K696N.
Identifiers: ClinVar variation 1436104 (VCV001436104.9), dbSNP rs1049445907, ClinGen allele CA191293043.

ClinVar aggregate classification (germline): Uncertain significance. Review status: criteria provided, multiple submitters, no conflicts (2 of 4 stars). 2 submissions from 2 submitters: Uncertain significance (2). Last evaluated 2025-03-26.

Conditions:
Inborn genetic diseases. Identifiers: MedGen C0950123, MeSH D030342.

Allele frequency attached by ClinVar (database versions not stated): TOPMed below 0.00001.
gnomAD v4.1: 2 of 1,614,204 alleles (0.00012%); highest among the groups gnomAD compares: Non-Finnish European, 0.00017%; no homozygotes.

Submissions (2):

Ambry Genetics
Classification: Uncertain significance for Inborn genetic diseases. Last evaluated: 2025-03-26. Review status: criteria provided, single submitter. Criteria: Ambry Variant Classification Scheme 2023. Collection method: clinical testing. Allele origin: germline.

Labcorp Genetics (formerly Invitae), Labcorp
Classification: Uncertain significance. Last evaluated: 2022-08-09. Review status: criteria provided, single submitter. Criteria: Invitae Variant Classification Sherloc (09022015). Collection method: clinical testing. Allele origin: germline.
Comment: This variant has not been reported in the literature in individuals affected with PLAA-related conditions. ClinVar contains an entry for this variant (Variation ID: 1436104). Algorithms developed to predict the effect of missense changes on protein structure and function are either unavailable or do not agree on the potential impact of this missense change (SIFT: "Tolerated"; PolyPhen-2: "Probably Damaging"; Align-GVGD: "Class C0"). In summary, the available evidence is currently insufficient to determine the role of this variant in disease. Therefore, it has been classified as a Variant of Uncertain Significance. This sequence change replaces lysine, which is basic and polar, with asparagine, which is neutral and polar, at codon 696 of the PLAA protein (p.Lys696Asn). This variant is not present in population databases (gnomAD no frequency).